The following is an entry in ClinVar:

NM_001849.4(COL6A2):c.224C>T (p.Pro75Leu)

Gene: COL6A2 (collagen type VI alpha 2 chain; plus strand). Cytogenetic location: 21q22.3.
Variant type: single nucleotide variant.
Coding change: c.224C>T on transcript NM_001849.4 (MANE Select); coding-DNA position 224, C replaced by T.
Protein change: p.Pro75Leu; replaces proline 75 with leucine.
Molecular consequence: missense variant.
Genome position (GRCh38, 1-based): chr21:46,112,087, C>T. VCF-style: chr21-46112087-C-T. GRCh37 (hg19) VCF-style: chr21-47532001-C-T.
Other names: c.224C>T, p.Pro75Leu (NM_058174.3, NM_058175.3); c.224C>T (NM_001849.3); short protein forms P75L.
Identifiers: ClinVar variation 289766 (VCV000289766.11), dbSNP rs750009012, ClinGen allele CA10071238.
Genomic context (GRCh38, chr21:46,112,087, plus strand): 5'-AGAGCGTCACCATGCAGTCCCCCACGGACATCCTGCTCTTCCACATGAAGCAGTTCGTGC[C>T]GCAGTTCATCAGCCAGCTGCAGAACGAGTTCTACCTGGACCAGGTGGCGCTGAGCTGGCG-3'
Protein context (NP_001840.3, residues 65-85): ILLFHMKQFV[Pro75Leu]QFISQLQNEF

ClinVar aggregate classification (germline): Uncertain significance. Review status: criteria provided, multiple submitters, no conflicts (2 of 4 stars). 3 submissions from 3 submitters: Uncertain significance (3). Last evaluated 2024-03-04.

Conditions:
Inborn genetic diseases. Identifiers: MedGen C0950123, MeSH D030342.
Bethlem myopathy 1A. Also called: Bethlem Muscular Dystrophy; MYOPATHY, BENIGN CONGENITAL, WITH CONTRACTURES; Bethlem myopathy 1. Identifiers: Orphanet 610, MedGen CN029274, MONDO:0024530, OMIM 158810.

Allele frequency attached by ClinVar (database versions not stated): gnomAD 0.00001; gnomAD exomes 0.00001; ExAC 0.00002; TOPMed 0.00002.
gnomAD v4.1: 20 of 1,613,058 alleles (0.0012%); highest among the groups gnomAD compares: South Asian, 0.0033%; no homozygotes.

Submissions (3):

Ambry Genetics
Classification: Uncertain significance for Inborn genetic diseases. Last evaluated: 2024-03-04. Review status: criteria provided, single submitter. Criteria: Ambry Variant Classification Scheme 2023. Collection method: clinical testing. Allele origin: germline.

Labcorp Genetics (formerly Invitae), Labcorp
Classification: Uncertain significance for Bethlem myopathy 1A. Last evaluated: 2023-12-22. Review status: criteria provided, single submitter. Criteria: Invitae Variant Classification Sherloc (09022015). Collection method: clinical testing. Allele origin: germline.
Comment: This sequence change replaces proline, which is neutral and non-polar, with leucine, which is neutral and non-polar, at codon 75 of the COL6A2 protein (p.Pro75Leu). This variant is present in population databases (rs750009012, gnomAD 0.002%). This variant has not been reported in the literature in individuals affected with COL6A2-related conditions. ClinVar contains an entry for this variant (Variation ID: 289766). Advanced modeling of protein sequence and biophysical properties (such as structural, functional, and spatial information, amino acid conservation, physicochemical variation, residue mobility, and thermodynamic stability) performed at Invitae indicates that this missense variant is not expected to disrupt COL6A2 protein function with a negative predictive value of 80%. In summary, the available evidence is currently insufficient to determine the role of this variant in disease. Therefore, it has been classified as a Variant of Uncertain Significance.

Eurofins Ntd Llc (ga)
Classification: Uncertain significance. Last evaluated: 2016-08-29. Review status: criteria provided, single submitter. Criteria: EGL Classification Definitions 2015. Collection method: clinical testing. Allele origin: germline. Observed: 1 variant allele, 1 heterozygote.